The following is an entry in ClinVar:

ClinVar aggregate classification (germline): Uncertain significance. Review status: criteria provided, multiple submitters, no conflicts (2 of 4 stars). 2 submissions from 2 submitters: Uncertain significance (2). Last evaluated 2025-11-12.

Conditions:
Inborn genetic diseases. Identifiers: MedGen C0950123, MeSH D030342.

gnomAD v4.1: 11 of 1,614,026 alleles (0.00068%); highest among the groups gnomAD compares: Middle Eastern, 0.082%; no homozygotes.

Submissions (2):

Ambry Genetics
Classification: Uncertain significance for Inborn genetic diseases. Last evaluated: 2025-11-12. Review status: criteria provided, single submitter. Criteria: Ambry Variant Classification Scheme 2023. Collection method: clinical testing. Allele origin: germline.

Labcorp Genetics (formerly Invitae), Labcorp
Classification: Uncertain significance. Last evaluated: 2025-09-04. Review status: criteria provided, single submitter. Criteria: Invitae Variant Classification Sherloc (09022015). Collection method: clinical testing. Allele origin: germline.
Comment: This sequence change replaces glycine, which is neutral and non-polar, with serine, which is neutral and polar, at codon 49 of the POLR1A protein (p.Gly49Ser). This variant is present in population databases (rs769611370, gnomAD 0.006%). This variant has not been reported in the literature in individuals affected with POLR1A-related conditions. Invitae Evidence Modeling of protein sequence and biophysical properties (such as structural, functional, and spatial information, amino acid conservation, physicochemical variation, residue mobility, and thermodynamic stability) indicates that this missense variant is not expected to disrupt POLR1A protein function with a negative predictive value of 80%. In summary, the available evidence is currently insufficient to determine the role of this variant in disease. Therefore, it has been classified as a Variant of Uncertain Significance.

NM_015425.6(POLR1A):c.145G>A (p.Gly49Ser)

Gene: POLR1A (RNA polymerase I subunit A; minus strand). Cytogenetic location: 2p11.2.
Variant type: single nucleotide variant.
Coding change: c.145G>A on transcript NM_015425.6 (MANE Select); coding-DNA position 145, G replaced by A.
Protein change: p.Gly49Ser; replaces glycine 49 with serine.
Molecular consequence: missense variant.
Genome position (GRCh38, 1-based): chr2:86,100,105, C>T on the plus strand (G>A on the coding strand, the complement: POLR1A is on the minus strand). VCF-style: chr2-86100105-C-T. GRCh37 (hg19) VCF-style: chr2-86327228-C-T.
Other names: short protein forms G49S.
Identifiers: ClinVar variation 4628151 (VCV004628151.2).